The following is an entry in ClinVar:

NM_001943.5(DSG2):c.1373G>T (p.Arg458Ile)

Gene: DSG2 (desmoglein 2; plus strand). Cytogenetic location: 18q12.1.
Variant type: single nucleotide variant.
Coding change: c.1373G>T on transcript NM_001943.5 (MANE Select); coding-DNA position 1373, G replaced by T.
Protein change: p.Arg458Ile; replaces arginine 458 with isoleucine.
Molecular consequence: missense variant.
Genome position (GRCh38, 1-based): chr18:31,535,362, G>T. VCF-style: chr18-31535362-G-T. GRCh37 (hg19) VCF-style: chr18-29115325-G-T.
Other names: short protein forms R458I.
Identifiers: ClinVar variation 1512439 (VCV001512439.10), dbSNP rs2144339865, ClinGen allele CA402140422.

ClinVar aggregate classification (germline): Uncertain significance. Review status: criteria provided, multiple submitters, no conflicts (2 of 4 stars). 2 submissions from 2 submitters: Uncertain significance (2). Last evaluated 2024-09-23.

Conditions:
Arrhythmogenic right ventricular cardiomyopathy (ARVD). Also called: Cardiomyopathy, ARVC; Arrhythmogenic right ventricular dysplasia; Arrhythmogenic cardiomyopathy; Arrhythmogenic Right Ventricular Cardiomyopathy (ARVC). Identifiers: Orphanet 247, MedGen C0349788, MeSH D019571, MONDO:0016587. Disease mechanism: loss of function. Inheritance: Various modes of inheritance.
Arrhythmogenic right ventricular dysplasia 10. Also called: Arrhythmogenic right ventricular dysplasia/cardiomyopathy, type 10; Arrhythmogenic Right Ventricular Dysplasia/Cardiomyopathy10; ARRHYTHMOGENIC RIGHT VENTRICULAR DYSPLASIA, FAMILIAL, 10. Identifiers: MedGen C1857777, MONDO:0012434, OMIM 610193.

Submissions (2):

All of Us Research Program, National Institutes of Health
Classification: Uncertain significance for Arrhythmogenic right ventricular cardiomyopathy. Last evaluated: 2024-09-23. Review status: criteria provided, single submitter. Criteria: ACMG Guidelines, 2015. Collection method: clinical testing. Allele origin: germline. Inheritance: Autosomal dominant inheritance. Observed: 2 variant alleles, 2 heterozygotes.
Comment: This missense variant replaces arginine with isoleucine at codon 458 of the DSG2 protein. Computational prediction suggests that this variant may not impact protein structure and function (internally defined REVEL score threshold <= 0.5, PMID: 27666373). To our knowledge, functional studies have not been reported for this variant. This variant has not been reported in individuals affected with DSG2-related disorders in the literature. This variant has not been identified in the general population by the Genome Aggregation Database (gnomAD). The available evidence is insufficient to determine the role of this variant in disease conclusively. Therefore, this variant is classified as a Variant of Uncertain Significance.

This study involves interpretation of variants in research participants for the purpose of population health screening. Participant phenotype was not available at the time of variant classification. Additional details can be found in publication PMID: 35346344, PMCID: PMC8962531

Labcorp Genetics (formerly Invitae), Labcorp
Classification: Uncertain significance for Arrhythmogenic right ventricular dysplasia 10. Last evaluated: 2024-02-19. Review status: criteria provided, single submitter. Criteria: Invitae Variant Classification Sherloc (09022015). Collection method: clinical testing. Allele origin: germline.
Comment: This sequence change replaces arginine, which is basic and polar, with isoleucine, which is neutral and non-polar, at codon 458 of the DSG2 protein (p.Arg458Ile). This variant is not present in population databases (gnomAD no frequency). This variant has not been reported in the literature in individuals affected with DSG2-related conditions. ClinVar contains an entry for this variant (Variation ID: 1512439). Advanced modeling of protein sequence and biophysical properties (such as structural, functional, and spatial information, amino acid conservation, physicochemical variation, residue mobility, and thermodynamic stability) performed at Invitae indicates that this missense variant is not expected to disrupt DSG2 protein function with a negative predictive value of 95%. In summary, the available evidence is currently insufficient to determine the role of this variant in disease. Therefore, it has been classified as a Variant of Uncertain Significance.